The following is an entry in ClinVar:

NM_001277115.2(DNAH11):c.458C>T (p.Ala153Val)

Gene: DNAH11 (dynein axonemal heavy chain 11; plus strand). Cytogenetic location: 7p15.3.
Variant type: single nucleotide variant.
Coding change: c.458C>T on transcript NM_001277115.2 (MANE Select); coding-DNA position 458, C replaced by T.
Protein change: p.Ala153Val; replaces alanine 153 with valine.
Molecular consequence: missense variant.
Genome position (GRCh38, 1-based): chr7:21,545,112, C>T. VCF-style: chr7-21545112-C-T. GRCh37 (hg19) VCF-style: chr7-21584730-C-T.
Other names: short protein forms A153V.
Identifiers: ClinVar variation 664930 (VCV000664930.1), dbSNP rs1583469217, ClinGen allele CA366931931.
Genomic context (GRCh38, chr7:21,545,112, plus strand): 5'-TTACTGAAAGCATTGGAGTAAATGACTTTTCTCAAGTGGTTTTATTTGGAGAGTTACCTG[C>T]GTTGTCTCTTGGACATGTATCTGCTTTCCTTGATGAGGTACTGGTCTGTCTTTAATATTT-3'
Protein context (NP_001264044.1, residues 143-163): SQVVLFGELP[Ala153Val]LSLGHVSAFL

ClinVar aggregate classification (germline): Uncertain significance (1 of 4 stars; one submission).

Conditions:
Primary ciliary dyskinesia. Also called: Ciliary dyskinesia. Identifiers: Orphanet 244, MedGen C0008780, MONDO:0016575, HP:0012265.

Submission:

Labcorp Genetics (formerly Invitae), Labcorp
Classification: Uncertain significance for Primary ciliary dyskinesia. Last evaluated: 2018-10-03. Review status: criteria provided, single submitter. Criteria: Invitae Variant Classification Sherloc (09022015). Collection method: clinical testing. Allele origin: germline.
Comment: This sequence change replaces alanine with valine at codon 153 of the DNAH11 protein (p.Ala153Val). The alanine residue is weakly conserved and there is a small physicochemical difference between alanine and valine. This variant is not present in population databases (ExAC no frequency). This variant has not been reported in the literature in individuals with DNAH11-related disease. Algorithms developed to predict the effect of missense changes on protein structure and function output the following: SIFT: "Tolerated"; PolyPhen-2: "Benign"; Align-GVGD: "Class C0". The valine amino acid residue is found in multiple mammalian species, suggesting that this missense change does not adversely affect protein function. These predictions have not been confirmed by published functional studies and their clinical significance is uncertain. In summary, the available evidence is currently insufficient to determine the role of this variant in disease. Therefore, it has been classified as a Variant of Uncertain Significance.